The following is an entry in ClinVar:

NM_030773.4(TUBB1):c.722G>A (p.Arg241Gln)

Gene: TUBB1 (tubulin beta 1 class VI; plus strand). Cytogenetic location: 20q13.32.
Variant type: single nucleotide variant.
Coding change: c.722G>A on transcript NM_030773.4 (MANE Select); coding-DNA position 722, G replaced by A.
Protein change: p.Arg241Gln; replaces arginine 241 with glutamine.
Molecular consequence: missense variant.
Genome position (GRCh38, 1-based): chr20:59,024,149, G>A. VCF-style: chr20-59024149-G-A. GRCh37 (hg19) VCF-style: chr20-57599204-G-A.
Other names: short protein forms R241Q.
Identifiers: ClinVar variation 3633426 (VCV003633426.2).

ClinVar aggregate classification (germline): Uncertain significance (1 of 4 stars; one submission).

Submission:

Labcorp Genetics (formerly Invitae), Labcorp
Classification: Uncertain significance. Last evaluated: 2024-12-03. Review status: criteria provided, single submitter. Criteria: Invitae Variant Classification Sherloc (09022015). Collection method: clinical testing. Allele origin: germline.
Comment: This sequence change replaces arginine, which is basic and polar, with glutamine, which is neutral and polar, at codon 241 of the TUBB1 protein (p.Arg241Gln). This variant is present in population databases (no rsID available, gnomAD 0.0009%). This variant has not been reported in the literature in individuals affected with TUBB1-related conditions. Invitae Evidence Modeling of protein sequence and biophysical properties (such as structural, functional, and spatial information, amino acid conservation, physicochemical variation, residue mobility, and thermodynamic stability) indicates that this missense variant is expected to disrupt TUBB1 protein function with a positive predictive value of 80%. In summary, the available evidence is currently insufficient to determine the role of this variant in disease. Therefore, it has been classified as a Variant of Uncertain Significance.